The following is an entry in ClinVar:

NM_153006.3(NAGS):c.998_1016del (p.Met333fs)

Gene: NAGS (N-acetylglutamate synthase; plus strand). Cytogenetic location: 17q21.31.
Variant type: Deletion.
Coding change: c.998_1016del on transcript NM_153006.3 (MANE Select); coding-DNA positions 998 to 1016, 19 bases deleted (TGCGGCTCATCGTGGACGT).
Protein change: p.Met333fs; shifts the reading frame from methionine 333.
Molecular consequence: frameshift variant.
Genome position (GRCh38, 1-based): chr17:44,006,611-44,006,629, TGCGGCTCATCGTGGACGT deleted. VCF-style (leftmost placement, unchanged base first): chr17-44006610-ATGCGGCTCATCGTGGACGT-A. GRCh37 (hg19) VCF-style: chr17-42083978-ATGCGGCTCATCGTGGACGT-A.
Other names: short protein forms M333fs.
Identifiers: ClinVar variation 2863999 (VCV002863999.3), dbSNP rs2509281503, ClinGen allele CA2739267562.

ClinVar aggregate classification (germline): Pathogenic (1 of 4 stars; one submission).

Conditions:
Hyperammonemia, type III (NAGSD). Also called: Hyperammonemia due to N-acetylglutamate synthase deficiency. Identifiers: Orphanet 927, MedGen C0268543, MONDO:0009377, OMIM 237310.

Submission:

Labcorp Genetics (formerly Invitae), Labcorp
Classification: Pathogenic for Hyperammonemia, type III. Last evaluated: 2023-05-13. Review status: criteria provided, single submitter. Criteria: Invitae Variant Classification Sherloc (09022015). Collection method: clinical testing. Allele origin: germline.
Comment: For these reasons, this variant has been classified as Pathogenic. Algorithms developed to predict the effect of sequence changes on RNA splicing suggest that this variant may create or strengthen a splice site. This variant has not been reported in the literature in individuals affected with NAGS-related conditions. This variant is not present in population databases (gnomAD no frequency). This sequence change creates a premature translational stop signal (p.Met333Serfs*53) in the NAGS gene. It is expected to result in an absent or disrupted protein product. Loss-of-function variants in NAGS are known to be pathogenic (PMID: 12594532).

Literature cited by the submitters: PubMed 12594532.